The following is an entry in ClinVar:

ClinVar aggregate classification (germline): Uncertain significance (1 of 4 stars; one submission).

Conditions:
Early-infantile DEE. Also called: Early infantile epileptic encephalopathy with suppression bursts; Early infantile epileptic encephalopathy; Ohtahara syndrome. Identifiers: Orphanet 1934, MedGen C0393706, MONDO:0800491.

Allele frequency attached by ClinVar (database versions not stated): TOPMed below 0.00001; gnomAD 0.00001.
gnomAD v4.1: 1 of 1,612,454 alleles (0.000062%); highest among the groups gnomAD compares: Admixed American, 0.0017%; no homozygotes.

Submission:

Labcorp Genetics (formerly Invitae), Labcorp
Classification: Uncertain significance for Early-infantile DEE. Last evaluated: 2023-02-09. Review status: criteria provided, single submitter. Criteria: Invitae Variant Classification Sherloc (09022015). Collection method: clinical testing. Allele origin: germline.
Comment: This sequence change replaces proline, which is neutral and non-polar, with arginine, which is basic and polar, at codon 280 of the ARHGEF15 protein (p.Pro280Arg). This variant is not present in population databases (gnomAD no frequency). This variant has not been reported in the literature in individuals affected with ARHGEF15-related conditions. ClinVar contains an entry for this variant (Variation ID: 583312). Algorithms developed to predict the effect of missense changes on protein structure and function are either unavailable or do not agree on the potential impact of this missense change (SIFT: "Deleterious"; PolyPhen-2: "Possibly Damaging"; Align-GVGD: "Class C15"). In summary, the available evidence is currently insufficient to determine the role of this variant in disease. Therefore, it has been classified as a Variant of Uncertain Significance.

NM_173728.4(ARHGEF15):c.839C>G (p.Pro280Arg)

Gene: ARHGEF15 (Rho guanine nucleotide exchange factor 15; plus strand). Cytogenetic location: 17p13.1.
Variant type: single nucleotide variant.
Coding change: c.839C>G on transcript NM_173728.4 (MANE Select); coding-DNA position 839, C replaced by G.
Protein change: p.Pro280Arg; replaces proline 280 with arginine.
Molecular consequence: missense variant.
Genome position (GRCh38, 1-based): chr17:8,313,159, C>G. VCF-style: chr17-8313159-C-G. GRCh37 (hg19) VCF-style: chr17-8216477-C-G.
Other names: c.839C>G, p.Pro280Arg (NM_025014.2); short protein forms P280R.
Identifiers: ClinVar variation 583312 (VCV000583312.10), dbSNP rs754752504, ClinGen allele CA398016474.